The following is an entry in ClinVar:

NM_171998.4(RAB39B):c.*1452T>C

Gene: RAB39B (RAB39B, member RAS oncogene family; minus strand). Cytogenetic location: Xq28.
Variant type: single nucleotide variant.
Coding change: c.*1452T>C on transcript NM_171998.4 (MANE Select); 1452 bases downstream of the stop codon, T replaced by C.
Molecular consequence: 3 prime UTR variant.
Genome position (GRCh38, 1-based): chrX:155,259,351, A>G on the plus strand (T>C on the coding strand, the complement: RAB39B is on the minus strand). VCF-style: chrX-155259351-A-G. GRCh37 (hg19) VCF-style: chrX-154488636-A-G.
Identifiers: ClinVar variation 912927 (VCV000912927.31), dbSNP rs181070478, ClinGen allele CA337216070.
Genomic context (GRCh38, chrX:155,259,351, plus strand): 5'-GCCAGCCATTCCAATTTGCTGATGCAGTTAGCTGTTTGTTCACCTGAGAATTAAGGGCTG[A>G]CTCTCTTGGGTAGACAGGAACTCAGTGTACGTATATGGCAGACAGGTGGCCAAGGTCATT-3'

ClinVar aggregate classification (germline): Conflicting classifications of pathogenicity. Review status: criteria provided, conflicting classifications (1 of 4 stars). 2 submissions from 2 submitters: Uncertain significance (1); Likely benign (1). Last evaluated 2023-06-01.

Conditions:
Intellectual developmental disorder, X-linked 72. Also called: Intellectual disability, X-linked 72. Identifiers: Orphanet 777, MedGen C1846038, MONDO:0010289, OMIM 300271.

Allele frequency attached by ClinVar (database versions not stated): 1000 Genomes Project 30x 0.00021; TOPMed 0.00060; gnomAD 0.00111 and 0.00118.

Submissions (2):

CeGaT Center for Human Genetics Tuebingen
Classification: Likely benign. Last evaluated: 2023-06-01. Review status: criteria provided, single submitter. Criteria: CeGaT Center For Human Genetics Tuebingen Variant Classification Criteria Version 2. Collection method: clinical testing. Allele origin: germline. Affected: yes. Observed: 2 variant alleles.
Comment: RAB39B: BS2

Illumina Laboratory Services, Illumina
Classification: Uncertain significance for Intellectual developmental disorder, X-linked 72. Last evaluated: 2018-01-13. Review status: criteria provided, single submitter. Criteria: ICSL Variant Classification Criteria 13 December 2019. Collection method: clinical testing. Allele origin: germline.